The following is an entry in ClinVar:

ClinVar aggregate classification (germline): Uncertain significance (1 of 4 stars; one submission).

Conditions:
Primary ciliary dyskinesia. Also called: Ciliary dyskinesia. Identifiers: Orphanet 244, MedGen C0008780, MONDO:0016575, HP:0012265.

gnomAD v4.1: 4 of 1,613,430 alleles (0.00025%); highest among the groups gnomAD compares: African/African-American, 0.0013%; no homozygotes.

Submission:

Ambry Genetics
Classification: Uncertain significance for Primary ciliary dyskinesia. Last evaluated: 2025-04-22. Review status: criteria provided, single submitter. Criteria: Ambry Variant Classification Scheme 2023. Collection method: clinical testing. Allele origin: germline.
Comment: The p.Q8K variant (also known as c.22C>A), located in coding exon 1 of the DNAH5 gene, results from a C to A substitution at nucleotide position 22. The glutamine at codon 8 is replaced by lysine, an amino acid with similar properties. This amino acid position is conserved. In addition, this alteration is predicted to be tolerated by in silico analysis. Based on the available evidence, the clinical significance of this variant remains unclear.

NM_001369.3(DNAH5):c.22C>A (p.Gln8Lys)

Gene: DNAH5 (dynein axonemal heavy chain 5; minus strand). Cytogenetic location: 5p15.2.
Variant type: single nucleotide variant.
Coding change: c.22C>A on transcript NM_001369.3 (MANE Select); coding-DNA position 22, C replaced by A.
Protein change: p.Gln8Lys; replaces glutamine 8 with lysine.
Molecular consequence: missense variant.
Genome position (GRCh38, 1-based): chr5:13,944,417, G>T on the plus strand (C>A on the coding strand, the complement: DNAH5 is on the minus strand). VCF-style: chr5-13944417-G-T. GRCh37 (hg19) VCF-style: chr5-13944526-G-T.
Other names: short protein forms Q8K.
Identifiers: ClinVar variation 4013093 (VCV004013093.1).